The following is an entry in ClinVar:

ClinVar aggregate classification (germline): Uncertain significance. Review status: criteria provided, multiple submitters, no conflicts (2 of 4 stars). 2 submissions from 2 submitters: Uncertain significance (2). Last evaluated 2024-11-14.

Conditions:
Inborn genetic diseases. Identifiers: MedGen C0950123, MeSH D030342.

Allele frequency attached by ClinVar (database versions not stated): gnomAD 0.00001; ExAC 0.00003; TOPMed 0.00003.
gnomAD v4.1: 11 of 1,614,144 alleles (0.00068%); highest among the groups gnomAD compares: Admixed American, 0.017%; no homozygotes.

Submissions (2):

Ambry Genetics
Classification: Uncertain significance for Inborn genetic diseases. Last evaluated: 2024-11-14. Review status: criteria provided, single submitter. Criteria: Ambry Variant Classification Scheme 2023. Collection method: clinical testing. Allele origin: germline.

Labcorp Genetics (formerly Invitae), Labcorp
Classification: Uncertain significance. Last evaluated: 2024-05-08. Review status: criteria provided, single submitter. Criteria: Invitae Variant Classification Sherloc (09022015). Collection method: clinical testing. Allele origin: germline.
Comment: This sequence change replaces glycine, which is neutral and non-polar, with valine, which is neutral and non-polar, at codon 129 of the REST protein (p.Gly129Val). This variant is present in population databases (rs549796077, gnomAD 0.02%). This variant has not been reported in the literature in individuals affected with REST-related conditions. ClinVar contains an entry for this variant (Variation ID: 2176571). An algorithm developed to predict the effect of missense changes on protein structure and function (PolyPhen-2) suggests that this variant is likely to be tolerated. In summary, the available evidence is currently insufficient to determine the role of this variant in disease. Therefore, it has been classified as a Variant of Uncertain Significance.

NM_005612.5(REST):c.386G>T (p.Gly129Val)

Gene: REST (RE1 silencing transcription factor; plus strand). Cytogenetic location: 4q12.
Variant type: single nucleotide variant.
Coding change: c.386G>T on transcript NM_005612.5 (MANE Select); coding-DNA position 386, G replaced by T.
Protein change: p.Gly129Val; replaces glycine 129 with valine.
Molecular consequence: missense variant.
Genome position (GRCh38, 1-based): chr4:56,911,024, G>T. VCF-style: chr4-56911024-G-T. GRCh37 (hg19) VCF-style: chr4-57777190-G-T.
Other names: c.386G>T, p.Gly129Val (NM_001193508.2, NM_001363453.3); short protein forms G129V.
Identifiers: ClinVar variation 2176571 (VCV002176571.5), dbSNP rs549796077, ClinGen allele CA2932094.
Genomic context (GRCh38, chr4:56,911,024, plus strand): 5'-TGGAACTGAGAAGTTTGGAACTCAGCGTCGTAGAACCTCAGCCTGTATTTGAGGCATCAG[G>T]TGCTCCAGATATTTACAGTTCAAATAAAGATCTTCCCCCTGAAACACCTGGAGCGGAGGA-3'
Protein context (NP_005603.3, residues 119-139): VEPQPVFEAS[Gly129Val]APDIYSSNKD